The following is an entry in ClinVar:

NM_002485.5(NBN):c.1435A>C (p.Lys479Gln)

Gene: NBN (nibrin; minus strand). Cytogenetic location: 8q21.3.
Variant type: single nucleotide variant.
Coding change: c.1435A>C on transcript NM_002485.5 (MANE Select); coding-DNA position 1435, A replaced by C.
Protein change: p.Lys479Gln; replaces lysine 479 with glutamine.
Molecular consequence: missense variant.
Genome position (GRCh38, 1-based): chr8:89,953,654, T>G on the plus strand (A>C on the coding strand, the complement: NBN is on the minus strand). VCF-style: chr8-89953654-T-G. GRCh37 (hg19) VCF-style: chr8-90965882-T-G.
Other names: c.1189A>C, p.Lys397Gln (NM_001024688.3); short protein forms K397Q, K479Q.
Identifiers: ClinVar variation 2896575 (VCV002896575.3), dbSNP rs2488234133, ClinGen allele CA371655854.

ClinVar aggregate classification (germline): Uncertain significance (1 of 4 stars; one submission).

Conditions:
Microcephaly, normal intelligence and immunodeficiency (NBS). Also called: Ataxia telangiectasia variant V1; Nijmegen breakage syndrome; Microcephaly with normal intelligence immunodeficiency and lymphoreticular malignancies; Nonsyndromal microcephaly autosomal recessive with normal intelligence; Seemanova syndrome 2; SEEMANOVA SYNDROME II. Identifiers: Orphanet 647, MedGen C0398791, MONDO:0009623, OMIM 251260.

Submission:

Labcorp Genetics (formerly Invitae), Labcorp
Classification: Uncertain significance for Microcephaly, normal intelligence and immunodeficiency. Last evaluated: 2023-02-15. Review status: criteria provided, single submitter. Criteria: Invitae Variant Classification Sherloc (09022015). Collection method: clinical testing. Allele origin: germline.
Comment: In summary, the available evidence is currently insufficient to determine the role of this variant in disease. Therefore, it has been classified as a Variant of Uncertain Significance. An algorithm developed to predict the effect of missense changes on protein structure and function (PolyPhen-2) suggests that this variant is likely to be disruptive. This variant has not been reported in the literature in individuals affected with NBN-related conditions. This variant is not present in population databases (gnomAD no frequency). This sequence change replaces lysine, which is basic and polar, with glutamine, which is neutral and polar, at codon 479 of the NBN protein (p.Lys479Gln).